The following is an entry in ClinVar:

ClinVar aggregate classification (germline): Likely pathogenic (1 of 4 stars; one submission).

Conditions:
Cutis laxa, autosomal dominant 3 (ADCL3). Identifiers: Orphanet 90348, MedGen C4225268, MONDO:0014706, OMIM 616603.
Autosomal dominant spastic paraplegia type 9. Identifiers: MedGen C1832669, MONDO:0015091.
de Barsy syndrome. Also called: Cutis laxa-corneal clouding-oligophrenia syndrome. Identifiers: Orphanet 2962, MedGen C0268354, MONDO:0017569.

Submission:

Labcorp Genetics (formerly Invitae), Labcorp
Classification: Likely pathogenic for Autosomal dominant spastic paraplegia type 9; de Barsy syndrome; Cutis laxa, autosomal dominant 3. Last evaluated: 2025-07-14. Review status: criteria provided, single submitter. Criteria: Invitae Variant Classification Sherloc (09022015). Collection method: clinical testing. Allele origin: germline.
Comment: This sequence change affects a donor splice site in intron 16 of the ALDH18A1 gene. It is expected to disrupt RNA splicing. Variants that disrupt the donor or acceptor splice site typically lead to a loss of protein function (PMID: 16199547), and loss-of-function variants in ALDH18A1 are known to be pathogenic (PMID: 21739576, 24913064, 28567303, 28604674, 29915212). This variant is not present in population databases (gnomAD no frequency). This variant has not been reported in the literature in individuals affected with ALDH18A1-related conditions. Algorithms developed to predict the effect of sequence changes on RNA splicing suggest that this variant may disrupt the consensus splice site. In summary, the currently available evidence indicates that the variant is pathogenic, but additional data are needed to prove that conclusively. Therefore, this variant has been classified as Likely Pathogenic.

Literature cited by the submitters: PubMed 16199547; PubMed 21739576; PubMed 24913064; PubMed 28567303; PubMed 28604674; PubMed 29915212.

NM_002860.4(ALDH18A1):c.2110+1G>T

Gene: ALDH18A1 (aldehyde dehydrogenase 18 family member A1; minus strand). Cytogenetic location: 10q24.1.
Variant type: single nucleotide variant.
Coding change: c.2110+1G>T on transcript NM_002860.4 (MANE Select); the canonical splice donor site of the intron after coding-DNA position 2110, G replaced by T.
Molecular consequence: splice donor variant.
Genome position (GRCh38, 1-based): chr10:95,611,255, C>A on the plus strand (G>T on the coding strand, the complement: ALDH18A1 is on the minus strand). VCF-style: chr10-95611255-C-A. GRCh37 (hg19) VCF-style: chr10-97371012-C-A.
Other names: c.1474+1G>T (NM_001323419.2); c.1777+1G>T (NM_001323412.2, NM_001323416.2); c.2005+1G>T (NM_001323417.2); c.2104+1G>T (NM_001017423.2, NM_001323415.2); c.1771+1G>T (NM_001323418.2); c.2110+1G>T (NM_001323413.2, NM_001323414.2).
Identifiers: ClinVar variation 4793220 (VCV004793220.1).